The following is an entry in ClinVar:

ClinVar aggregate classification (germline): Likely pathogenic (1 of 4 stars; one submission).

Conditions:
Neuromuscular disease caused by qualitative or quantitative defects of dysferlin. Also called: Qualitative or quantitative defects of dysferlin; Dysferlinopathy. Identifiers: Orphanet 207073, MedGen C2931687, MONDO:0016145.

Submission:

Labcorp Genetics (formerly Invitae), Labcorp
Classification: Likely pathogenic for Neuromuscular disease caused by qualitative or quantitative defects of dysferlin. Last evaluated: 2020-03-29. Review status: criteria provided, single submitter. Criteria: Invitae Variant Classification Sherloc (09022015). Collection method: clinical testing. Allele origin: germline.
Comment: This variant has not been reported in the literature in individuals with DYSF-related conditions. This sequence change affects an acceptor splice site in intron 27 of the DYSF gene. It is expected to disrupt RNA splicing and likely results in an absent or disrupted protein product. This variant is not present in population databases (ExAC no frequency). Algorithms developed to predict the effect of sequence changes on RNA splicing suggest that this variant may disrupt the consensus splice site, but this prediction has not been confirmed by published transcriptional studies. Donor and acceptor splice site variants typically lead to a loss of protein function (PMID: 16199547), and loss-of-function variants in DYSF are known to be pathogenic (PMID: 17698709, 20301480). In summary, the currently available evidence indicates that the variant is pathogenic, but additional data are needed to prove that conclusively. Therefore, this variant has been classified as Likely Pathogenic.

Literature cited by the submitters: PubMed 16199547; PubMed 17698709; PubMed 20301480.

NM_001130987.2(DYSF):c.2980-1G>C

Gene: DYSF (dysferlin; plus strand). Cytogenetic location: 2p13.2.
Variant type: single nucleotide variant.
Coding change: c.2980-1G>C on transcript NM_001130987.2 (MANE Select); the canonical splice acceptor site of the intron before coding-DNA position 2980, G replaced by C.
Molecular consequence: splice acceptor variant.
Genome position (GRCh38, 1-based): chr2:71,570,228, G>C. VCF-style: chr2-71570228-G-C. GRCh37 (hg19) VCF-style: chr2-71797358-G-C.
Other names: c.3019-1G>C (NM_001130979.2); c.2977-1G>C (NM_001130981.2, NM_001130980.2); c.2926-1G>C (NM_001130978.2, NM_003494.4); c.2884-1G>C (NM_001130977.2, NM_001130976.2); c.3022-1G>C (NM_001130982.2); c.2980-1G>C (NM_001130985.2); c.2929-1G>C (NM_001130983.2, NM_001130455.2); c.2887-1G>C (NM_001130984.2, NM_001130986.2).
Identifiers: ClinVar variation 958849 (VCV000958849.8), dbSNP rs2092340224, ClinGen allele CA347216304.